The following is an entry in ClinVar:

ClinVar aggregate classification (germline): Conflicting classifications of pathogenicity. Review status: criteria provided, conflicting classifications (1 of 4 stars). 3 submissions from 3 submitters: Likely pathogenic (2); Uncertain significance (1). Last evaluated 2025-09-29.

Conditions:
Inborn genetic diseases. Identifiers: MedGen C0950123, MeSH D030342.
Filippi syndrome (FLPIS). Identifiers: Orphanet 3255, MedGen C0795940, MONDO:0010092, OMIM 272440.

gnomAD v4.1: 25 of 1,604,290 alleles (0.0016%); highest among the groups gnomAD compares: Non-Finnish European, 0.002%; no homozygotes.

Submissions (3):

Ambry Genetics
Classification: Uncertain significance for Inborn genetic diseases. Last evaluated: 2025-09-29. Review status: criteria provided, single submitter. Criteria: Ambry Variant Classification Scheme 2023. Collection method: clinical testing. Allele origin: germline.

First Genomix Gene Laboratory, Genetic Diagnostics Department
Classification: Likely pathogenic for Filippi syndrome. Last evaluated: 2025-05-28. Review status: criteria provided, single submitter. Criteria: ACMG Guidelines, 2015. Collection method: clinical testing. Allele origin: germline. Inheritance: Autosomal recessive inheritance. Affected: no. Observed: 1 variant allele.

Genomic Medicine Center of Excellence, King Faisal Specialist Hospital and Research Centre
Classification: Likely pathogenic for Filippi syndrome. Last evaluated: 2024-03-29. Review status: criteria provided, single submitter. Criteria: ACMG Guidelines, 2015. Collection method: clinical testing. Allele origin: germline.

NM_152515.5(CKAP2L):c.1604G>A (p.Gly535Asp)

Gene: CKAP2L (cytoskeleton associated protein 2 like; minus strand). Cytogenetic location: 2q14.1.
Variant type: single nucleotide variant.
Coding change: c.1604G>A on transcript NM_152515.5 (MANE Select); coding-DNA position 1604, G replaced by A.
Protein change: p.Gly535Asp; replaces glycine 535 with aspartic acid.
Molecular consequence: missense variant. On other transcripts: non-coding transcript variant (1).
Genome position (GRCh38, 1-based): chr2:112,746,574, C>T on the plus strand (G>A on the coding strand, the complement: CKAP2L is on the minus strand). VCF-style: chr2-112746574-C-T. GRCh37 (hg19) VCF-style: chr2-113504151-C-T.
Other names: c.1109G>A, p.Gly370Asp (NM_001304361.2); c.1604G>A (NM_152515.3); short protein forms G370D, G535D.
Identifiers: ClinVar variation 3065887 (VCV003065887.3), dbSNP rs766585648, ClinGen allele CA53678607.